The following is an entry in ClinVar:

NC_000011.9:g.(?_22297640)_(22304913_?)dup

Gene: ANO5 (anoctamin 5; plus strand). Cytogenetic location: 11p14.3.
Variant type: Duplication.
Identifiers: ClinVar variation 468829 (VCV000468829.1).

ClinVar aggregate classification (germline): Uncertain significance (1 of 4 stars; one submission).

Conditions:
Autosomal recessive limb-girdle muscular dystrophy type 2L (LGMDR12). Also called: Limb-Girdle Muscular Dystrophy R12 Anoctamin-5-Related (LGMD-R12); Limb-girdle muscular dystrophy, type 2L; MUSCULAR DYSTROPHY, LIMB-GIRDLE, AUTOSOMAL RECESSIVE 12. Identifiers: Orphanet 206549, MedGen C1969785, MONDO:0012652, OMIM 611307.
Gnathodiaphyseal dysplasia (GDD). Also called: GNATHODIAPHYSEAL SCLEROSIS; OSTEOGENESIS IMPERFECTA WITH UNUSUAL SKELETAL LESIONS. Identifiers: Orphanet 53697, MedGen C1833736, MONDO:0008151, OMIM 166260.

Submission:

Labcorp Genetics (formerly Invitae), Labcorp
Classification: Uncertain significance for Autosomal recessive limb-girdle muscular dystrophy type 2L; Gnathodiaphyseal dysplasia. Last evaluated: 2016-05-04. Review status: criteria provided, single submitter. Criteria: Invitae Variant Classification Sherloc (09022015). Collection method: clinical testing. Allele origin: germline.
Comment: This variant is a gross duplication of the genomic region encompassing exons 20-21 of the ANO5 gene. The 5' boundary is likely confined to intron 19. The 3' end of this deletion is unknown as it extends beyond the assayed region for this gene and therefore may encompass additional genes. This duplication has not been previously reported in the literature in individuals with an ANO5-related disorder. In summary, this is a sub-genic duplication with unknown impact on protein function. It has been classified as a Variant of Uncertain Significance.